The following is an entry in ClinVar:

ClinVar aggregate classification (germline): Uncertain significance (1 of 4 stars; one submission).

Submission:

Women's Health and Genetics/Laboratory Corporation of America, LabCorp
Classification: Uncertain significance. Last evaluated: 2025-07-25. Review status: criteria provided, single submitter. Criteria: LabCorp Variant Classification Summary - May 2015. Collection method: clinical testing. Allele origin: germline.
Comment: Variant summary: CHAMP1 c.410T>G (p.Leu137Arg) results in a non-conservative amino acid change in the encoded protein sequence. Algorithms developed to predict the effect of missense changes on protein structure and function are either unavailable or do not agree on the potential impact of this missense change. The variant allele was found at a frequency of 4e-06 in 251440 control chromosomes. The available data on variant occurrences in the general population are insufficient to allow any conclusion about variant significance. To our knowledge, no occurrence of c.410T>G in individuals affected with Intellectual Disability, Autosomal Dominant 40 and no experimental evidence demonstrating its impact on protein function have been reported. No submitters have cited clinical-significance assessments for this variant to ClinVar. Based on the evidence outlined above, the variant was classified as uncertain significance.

NM_032436.4(CHAMP1):c.410T>G (p.Leu137Arg)

Gene: CHAMP1 (chromosome alignment maintaining phosphoprotein 1; plus strand). Cytogenetic location: 13q34.
Variant type: single nucleotide variant.
Coding change: c.410T>G on transcript NM_032436.4 (MANE Select); coding-DNA position 410, T replaced by G.
Protein change: p.Leu137Arg; replaces leucine 137 with arginine.
Molecular consequence: missense variant.
Genome position (GRCh38, 1-based): chr13:114,324,252, T>G. VCF-style: chr13-114324252-T-G. GRCh37 (hg19) VCF-style: chr13-115089727-T-G.
Other names: c.410T>G, p.Leu137Arg (NM_001164144.3, NM_001164145.3); short protein forms L137R.
Identifiers: ClinVar variation 4526204 (VCV004526204.1).